The following is an entry in ClinVar:

ClinVar aggregate classification (germline): Uncertain significance (1 of 4 stars; one submission).

Conditions:
Familial sleep-related hypermotor epilepsy. Also called: Autosomal Dominant Sleep-Related Hypermotor (Hyperkinetic) Epilepsy. Identifiers: Orphanet 98784, MedGen C3696898, MONDO:0000030.

Submission:

Labcorp Genetics (formerly Invitae), Labcorp
Classification: Uncertain significance. Last evaluated: 2025-09-02. Review status: criteria provided, single submitter. Criteria: Invitae Variant Classification Sherloc (09022015). Collection method: clinical testing. Allele origin: germline.
Comment: This sequence change replaces isoleucine, which is neutral and non-polar, with asparagine, which is neutral and polar, at codon 157 of the CHRNB2 protein (p.Ile157Asn). This variant is not present in population databases (gnomAD no frequency). This variant has not been reported in the literature in individuals affected with CHRNB2-related conditions. ClinVar contains an entry for this variant (Variation ID: 1913065). Invitae Evidence Modeling of protein sequence and biophysical properties (such as structural, functional, and spatial information, amino acid conservation, physicochemical variation, residue mobility, and thermodynamic stability) indicates that this missense variant is expected to disrupt CHRNB2 protein function with a positive predictive value of 80%. In summary, the available evidence is currently insufficient to determine the role of this variant in disease. Therefore, it has been classified as a Variant of Uncertain Significance.

NM_000748.3(CHRNB2):c.470T>A (p.Ile157Asn)

Gene: CHRNB2 (cholinergic receptor nicotinic beta 2 subunit; plus strand). Cytogenetic location: 1q21.3.
Variant type: single nucleotide variant.
Coding change: c.470T>A on transcript NM_000748.3 (MANE Select); coding-DNA position 470, T replaced by A.
Protein change: p.Ile157Asn; replaces isoleucine 157 with asparagine.
Molecular consequence: missense variant.
Genome position (GRCh38, 1-based): chr1:154,571,293, T>A. VCF-style: chr1-154571293-T-A. GRCh37 (hg19) VCF-style: chr1-154543769-T-A.
Other names: short protein forms I157N.
Identifiers: ClinVar variation 1913065 (VCV001913065.5), dbSNP rs777929650, ClinGen allele CA342630096.